The following is an entry in ClinVar:

NM_014845.6(FIG4):c.2547-3T>A

Gene: FIG4 (FIG4 phosphoinositide 5-phosphatase; plus strand). Cytogenetic location: 6q21.
Variant type: single nucleotide variant.
Coding change: c.2547-3T>A on transcript NM_014845.6 (MANE Select); 3 bases into the intron before coding-DNA position 2547, T replaced by A.
Molecular consequence: intron variant.
Genome position (GRCh38, 1-based): chr6:109,825,085, T>A. VCF-style: chr6-109825085-T-A. GRCh37 (hg19) VCF-style: chr6-110146288-T-A.
Identifiers: ClinVar variation 476863 (VCV000476863.4), dbSNP rs537171532, ClinGen allele CA3956447.
Genomic context (GRCh38, chr6:109,825,085, plus strand): 5'-GCTCCCTGTGGTCCTTCCTTATATTTTCTTTAATGCAGCCCTCTCTTTATTCATCTTTTA[T>A]AGAACACCCATCTCGGCTTTCTCGCAAGATAACATCTATGAAGTTCAGCCCCCAAGAGTA-3'

ClinVar aggregate classification (germline): Uncertain significance (1 of 4 stars; one submission).

Conditions:
Charcot-Marie-Tooth disease type 4. Also called: Charcot-Marie-Tooth disease, type IV; Charcot-Marie-Tooth, Type 4. Identifiers: Orphanet 64749, MedGen C4082197, MONDO:0018995.

Allele frequency attached by ClinVar (database versions not stated): gnomAD exomes below 0.00001; ExAC 0.00001; TOPMed 0.00001.
gnomAD v4.1: 13 of 1,613,194 alleles (0.00081%); highest among the groups gnomAD compares: African/African-American, 0.0053%; no homozygotes.

Submission:

Labcorp Genetics (formerly Invitae), Labcorp
Classification: Uncertain significance for Charcot-Marie-Tooth disease type 4. Last evaluated: 2022-09-27. Review status: criteria provided, single submitter. Criteria: Invitae Variant Classification Sherloc (09022015). Collection method: clinical testing. Allele origin: germline.
Comment: This sequence change falls in intron 22 of the FIG4 gene. It does not directly change the encoded amino acid sequence of the FIG4 protein. It affects a nucleotide within the consensus splice site. This variant is present in population databases (rs537171532, gnomAD no frequency). This variant has not been reported in the literature in individuals affected with FIG4-related conditions. ClinVar contains an entry for this variant (Variation ID: 476863). Variants that disrupt the consensus splice site are a relatively common cause of aberrant splicing (PMID: 17576681, 9536098). Algorithms developed to predict the effect of sequence changes on RNA splicing suggest that this variant may disrupt the consensus splice site. In summary, the available evidence is currently insufficient to determine the role of this variant in disease. Therefore, it has been classified as a Variant of Uncertain Significance.

Literature cited by the submitters: PubMed 17576681; PubMed 9536098.